The following is an entry in ClinVar:

ClinVar aggregate classification (germline): Benign/Likely benign. Review status: criteria provided, multiple submitters, no conflicts (2 of 4 stars). 3 submissions from 3 submitters: Benign (1); Likely benign (2). Last evaluated 2026-01-28.

Conditions:
Progressive pseudorheumatoid dysplasia (PPRD). Also called: SPONDYLOEPIPHYSEAL DYSPLASIA TARDA WITH PROGRESSIVE ARTHROPATHY; Progressive Pseudorheumatoid Arthropathy of Childhood. Identifiers: Orphanet 1159, MedGen C0432215, MONDO:0008827, OMIM 208230. Disease mechanism: loss of function.

Allele frequency attached by ClinVar (database versions not stated): gnomAD exomes 0.00034; ExAC 0.00039; 1000 Genomes Project 0.00080; 1000 Genomes Project 30x 0.00094; gnomAD 0.00106 and 0.00108; TOPMed 0.00117; ESP Exome Variant Server 0.00146.
gnomAD v4.1: 404 of 1,614,156 alleles (0.025%); highest among the groups gnomAD compares: African/African-American, 0.36%; 1 homozygote.

Submissions (3):

Labcorp Genetics (formerly Invitae), Labcorp
Classification: Benign. Last evaluated: 2026-01-28. Review status: criteria provided, single submitter. Criteria: Invitae Variant Classification Sherloc (09022015). Collection method: clinical testing. Allele origin: germline.

Blueprint Genetics
Classification: Likely benign. Last evaluated: 2024-11-17. Review status: criteria provided, single submitter. Criteria: ACMG Guidelines, 2015. Collection method: clinical testing. Allele origin: germline.

Illumina Laboratory Services, Illumina
Classification: Likely benign for Progressive pseudorheumatoid dysplasia. Last evaluated: 2018-01-13. Review status: criteria provided, single submitter. Criteria: ICSL Variant Classification Criteria 13 December 2019. Collection method: clinical testing. Allele origin: germline.
Comment: This variant was observed in the ICSL laboratory as part of a predisposition screen in an ostensibly healthy population. It had not been previously curated by ICSL or reported in the Human Gene Mutation Database (HGMD: prior to June 1st, 2018), and was therefore a candidate for classification through an automated scoring system. Utilizing variant allele frequency, disease prevalence and penetrance estimates, and inheritance mode, an automated score was calculated to assess if this variant is too frequent to cause the disease. Based on the score and internal cut-off values, a variant classified as likely benign is not then subjected to further curation. The score for this variant resulted in a classification of likely benign for this disease.

NM_198239.2(CCN6):c.327C>T (p.Tyr109=)

Gene: CCN6 (cellular communication network factor 6; plus strand). Cytogenetic location: 6q21.
Variant type: single nucleotide variant.
Coding change: c.327C>T on transcript NM_198239.2 (MANE Select); coding-DNA position 327, C replaced by T.
Protein change: p.Tyr109=; no amino-acid change (tyrosine 109 retained).
Molecular consequence: synonymous variant. On other transcripts: non-coding transcript variant (2).
Genome position (GRCh38, 1-based): chr6:112,061,269, C>T. VCF-style: chr6-112061269-C-T. GRCh37 (hg19) VCF-style: chr6-112382472-C-T.
Other names: c.327C>T, p.Tyr109= (NM_003880.4).
Identifiers: ClinVar variation 355064 (VCV000355064.16), dbSNP rs145747429, ClinGen allele CA3963960.
Genomic context (GRCh38, chr6:112,061,269, plus strand): 5'-TGACCTCTGTGACCCACACAAAGGGCTGTATTGTGACTACTCAGTAGACAGGCCTAGGTA[C>T]GAGACTGGAGTGTGTGCATGTAAGTGTCTTCTTCTGGACCTGCTGGAAAAGATTGAGTCT-3'
Protein context (NP_937882.2, residues 99-119): YCDYSVDRPR[Tyr109=]ETGVCAYLVA